The following is an entry in ClinVar:

Single allele

Gene: RBFOX1 (RNA binding fox-1 homolog 1; plus strand). Cytogenetic location: 16p13.3.
Variant type: Deletion.
Identifiers: ClinVar variation 560142 (VCV000560142.3).

ClinVar aggregate classification (germline): Uncertain significance (1 of 4 stars; one submission).

Submission:

Geisinger Autism and Developmental Medicine Institute, Geisinger Health System
Classification: Uncertain significance. Last evaluated: 2018-03-30. Review status: criteria provided, single submitter. Criteria: ACMG CNV Guidelines, 2011. Collection method: provider interpretation. Allele origin: unknown.
Comment: Parental testing was not completed. This deletion contains the non-coding exon 1 of RBFOX1. Deletions within RBFOX1 have conflicting reports of clinical significance ranging from causing epilepsy and autism spectrum disorders to being normal variation. The clinical significance of the deletion of a portion of this gene is remains unclear.

Literature cited by the submitters: PubMed 26174448; PubMed 24664471; PubMed 24290388; PubMed 22678932.